The following is an entry in ClinVar:

ClinVar aggregate classification (germline): Uncertain significance (1 of 4 stars; one submission).

Conditions:
Cardiovascular phenotype. Identifiers: MedGen CN230736.

Submission:

Ambry Genetics
Classification: Uncertain significance for Cardiovascular phenotype. Last evaluated: 2022-04-07. Review status: criteria provided, single submitter. Criteria: Ambry Variant Classification Scheme 2023. Collection method: clinical testing. Allele origin: germline.
Comment: The p.C814F variant (also known as c.2441G>T), located in coding exon 15 of the DSG2 gene, results from a G to T substitution at nucleotide position 2441. The cysteine at codon 814 is replaced by phenylalanine, an amino acid with highly dissimilar properties. This amino acid position is conserved. In addition, this alteration is predicted to be deleterious by in silico analysis. Since supporting evidence is limited at this time, the clinical significance of this alteration remains unclear.

NM_001943.5(DSG2):c.2441G>T (p.Cys814Phe)

Genes: DSG2 (desmoglein 2; plus strand), DSG2-AS1 (DSG2 antisense RNA 1; minus strand). Cytogenetic location: 18q12.1.
Variant type: single nucleotide variant.
Coding change: c.2441G>T on transcript NM_001943.5 (MANE Select); coding-DNA position 2441, G replaced by T.
Protein change: p.Cys814Phe; replaces cysteine 814 with phenylalanine.
Molecular consequence: missense variant. On other transcripts: non-coding transcript variant (1).
Genome position (GRCh38, 1-based): chr18:31,545,827, G>T. VCF-style: chr18-31545827-G-T. GRCh37 (hg19) VCF-style: chr18-29125790-G-T.
Other names: short protein forms C814F.
Identifiers: ClinVar variation 1791341 (VCV001791341.2), dbSNP rs2510922197, ClinGen allele CA402144599.